The following is an entry in ClinVar:

NR_027350.2(MIR17HG):n.5144T>C

Gene: MIR17HG (miR-17-92a-1 cluster host gene; plus strand). Cytogenetic location: 13q31.3.
Variant type: single nucleotide variant.
Genome position: GRCh38 VCF-style: chr13-91354568-T-C. GRCh37 (hg19) VCF-style: chr13-92006822-T-C.
Identifiers: ClinVar variation 3059792 (VCV003059792.2), dbSNP rs955943126, ClinGen allele CA254717981.
Genomic context (GRCh38, chr13:91,354,568, plus strand): 5'-AAATACTGCATTTTAAAGCTGTTAAGAAATTGTCCAGAACGAGAATATTGAAATAAAAAC[T>C]TCAAGGTTATTATCGCAGTTTTTATGGCGTTTTTGTTTTGTCACTACAGATGGTCTAAAG-3'

ClinVar aggregate classification (germline): Likely benign (0 of 4 stars; one submission).

Conditions:
MIR17HG-related disorder. Also called: MIR17HG-related condition.

Allele frequency attached by ClinVar (database versions not stated): 1000 Genomes Project 30x 0.00031; gnomAD 0.00044; TOPMed 0.00054.
gnomAD v4.1: 66 of 152,306 alleles (0.043%); highest among the groups gnomAD compares: African/African-American, 0.15%; no homozygotes.

Submission:

PreventionGenetics, part of Exact Sciences
Classification: Likely benign for MIR17HG-related condition. Last evaluated: 2021-11-05. Review status: no assertion criteria provided. Collection method: clinical testing. Allele origin: germline.
Comment: This variant is classified as likely benign based on ACMG/AMP sequence variant interpretation guidelines (Richards et al. 2015 PMID: 25741868, with internal and published modifications).